The following is an entry in ClinVar:

NM_000051.4(ATM):c.8790C>G (p.Cys2930Trp)

Genes: ATM (ATM serine/threonine kinase; plus strand), C11orf65 (chromosome 11 open reading frame 65; minus strand). Cytogenetic location: 11q22.3.
Variant type: single nucleotide variant.
Coding change: c.8790C>G on transcript NM_000051.4 (MANE Select); coding-DNA position 8790, C replaced by G.
Protein change: p.Cys2930Trp; replaces cysteine 2930 with tryptophan.
Molecular consequence: missense variant. On other transcripts: intron variant (2).
Genome position (GRCh38, 1-based): chr11:108,354,814, C>G. VCF-style: chr11-108354814-C-G. GRCh37 (hg19) VCF-style: chr11-108225541-C-G.
Other names: c.8790C>G, p.Cys2930Trp (NM_001351834.2); c.640+31106G>C (NM_001330368.2); c.695-19522G>C (NM_001351110.2); short protein forms C2930W.
Identifiers: ClinVar variation 584800 (VCV000584800.17), dbSNP rs1565582275, ClinGen allele CA382525538.
Genomic context (GRCh38, chr11:108,354,814, plus strand): 5'-TACGTTGACAACATTGGTGTGTAACAAAATCCGTATTTATAATGTGTTTGACTCTAGATG[C>G]TGTGAGAAAACCATGGAAGTGATGAGAAACTCTCAGGAAACTCTGTTAACCATTGTAGAG-3'
Protein context (NP_000042.3, residues 2920-2940): ITGVEGVFRR[Cys2930Trp]CEKTMEVMRN

ClinVar aggregate classification (germline): Uncertain significance. Review status: criteria provided, multiple submitters, no conflicts (2 of 4 stars). 4 submissions from 4 submitters: Uncertain significance (4). Last evaluated 2025-11-20.

Conditions:
ATM-related cancer predisposition. Also called: ATM-related cancer susceptibility. Identifiers: MedGen CN377759, MONDO:0700270.
Hereditary cancer-predisposing syndrome. Also called: Hereditary Cancer Syndrome; Neoplastic Syndromes, Hereditary; Tumor predisposition; Hereditary neoplastic syndrome. Identifiers: Orphanet 140162, MedGen C0027672, MeSH D009386, MONDO:0015356.
Ataxia-telangiectasia syndrome (AT). Also called: Cerebello-oculocutaneous telangiectasia; Immunodeficiency with ataxia telangiectasia; Ataxia-telangiectasia, complementation group E; Ataxia-telangiectasia, complementation group D; AT, COMPLEMENTATION GROUP C; ATAXIA-TELANGIECTASIA, COMPLEMENTATION GROUP A. Identifiers: Orphanet 100, MedGen C0004135, MONDO:0008840, OMIM 208900.

Submissions (4):

Dasa
Classification: Uncertain significance for ATM-related cancer predisposition. Last evaluated: 2025-11-20. Review status: criteria provided, single submitter. Criteria: DASA Assertion Criteria. Collection method: clinical testing. Allele origin: germline.
Comment: NM_000051.4(ATM):c.8790C>G (p.Cys2930Trp) is a missense variant that results in the substitution of cysteine with tryptophan. This variant is absent from population databases. Computational prediction algorithms are consistent with a deleterious effect. The currently available literature and clinical evidence are not sufficient to establish a definitive association between this variant and the reported condition. Therefore, this variant is classified as a variant of uncertain significance.

Ambry Genetics
Classification: Uncertain significance for Hereditary cancer-predisposing syndrome. Last evaluated: 2024-12-16. Review status: criteria provided, single submitter. Criteria: Ambry Variant Classification Scheme 2023. Collection method: clinical testing. Allele origin: germline.
Comment: The p.C2930W variant (also known as c.8790C>G), located in coding exon 60 of the ATM gene, results from a C to G substitution at nucleotide position 8790. The cysteine at codon 2930 is replaced by tryptophan, an amino acid with highly dissimilar properties. This amino acid position is highly conserved in available vertebrate species. In addition, this alteration is predicted to be deleterious by in silico analysis. Based on the available evidence, the clinical significance of this variant remains unclear.

Labcorp Genetics (formerly Invitae), Labcorp
Classification: Uncertain significance for Ataxia-telangiectasia syndrome. Last evaluated: 2020-11-10. Review status: criteria provided, single submitter. Criteria: Invitae Variant Classification Sherloc (09022015). Collection method: clinical testing. Allele origin: germline.
Comment: This variant has not been reported in the literature in individuals with ATM-related conditions. ClinVar contains an entry for this variant (Variation ID: 584800). Advanced modeling of protein sequence and biophysical properties (such as structural, functional, and spatial information, amino acid conservation, physicochemical variation, residue mobility, and thermodynamic stability) performed at Invitae indicates that this missense variant is expected to disrupt ATM protein function. Algorithms developed to predict the effect of sequence changes on RNA splicing suggest that this variant may create or strengthen a splice site, but this prediction has not been confirmed by published transcriptional studies. In summary, the available evidence is currently insufficient to determine the role of this variant in disease. Therefore, it has been classified as a Variant of Uncertain Significance. This sequence change replaces cysteine with tryptophan at codon 2930 of the ATM protein (p.Cys2930Trp). The cysteine residue is highly conserved and there is a large physicochemical difference between cysteine and tryptophan. This variant is not present in population databases (ExAC no frequency).

Mendelics
Classification: Uncertain significance for Ataxia-telangiectasia syndrome. Last evaluated: 2018-07-02. Review status: criteria provided, single submitter. Criteria: Mendelics Assertion Criteria 2017. Collection method: clinical testing. Allele origin: unknown.